The following is an entry in ClinVar:

NM_005612.5(REST):c.3239A>G (p.Asn1080Ser)

Gene: REST (RE1 silencing transcription factor; plus strand). Cytogenetic location: 4q12.
Variant type: single nucleotide variant.
Coding change: c.3239A>G on transcript NM_005612.5 (MANE Select); coding-DNA position 3239, A replaced by G.
Protein change: p.Asn1080Ser; replaces asparagine 1080 with serine.
Molecular consequence: missense variant.
Genome position (GRCh38, 1-based): chr4:56,932,097, A>G. VCF-style: chr4-56932097-A-G. GRCh37 (hg19) VCF-style: chr4-57798263-A-G.
Other names: c.3239A>G, p.Asn1080Ser (NM_001193508.2, NM_001363453.3); short protein forms N1080S.
Identifiers: ClinVar variation 2178538 (VCV002178538.7), dbSNP rs116290363, ClinGen allele CA2932638.
Genomic context (GRCh38, chr4:56,932,097, plus strand): 5'-TTGTTTGTATCTTCTGTGATCGTTCTTTCAGAAAGGGAAAAGATTACAGCAAACACCTCA[A>G]TCGCCATTTGGTTAATGTGTACTATCTTGAAGAAGCAGCTCAAGGGCAGGAGTAATGAAA-3'
Protein context (NP_005603.3, residues 1070-1090): RKGKDYSKHL[Asn1080Ser]RHLVNVYYLE

ClinVar aggregate classification (germline): Uncertain significance. Review status: criteria provided, multiple submitters, no conflicts (2 of 4 stars). 3 submissions from 3 submitters: Uncertain significance (3). Last evaluated 2026-08-09.

Conditions:
REST-related disorder. Also called: REST-related condition.
Fibromatosis, gingival, 5. Also called: FIBROMATOSIS, GINGIVAL, HEREDITARY, 5. Identifiers: MedGen C4539942, MONDO:0033493, OMIM 617626.
Autosomal dominant nonsyndromic hearing loss 27. Also called: Deafness, autosomal dominant 27. Identifiers: Orphanet 90635, MedGen C3887929, MONDO:0012902, OMIM 612431.
Wilms tumor 6 (WT6). Also called: WILMS TUMOR 6, SUSCEPTIBILITY TO. Identifiers: Orphanet 654, MedGen C3891301, MONDO:0014779, OMIM 616806.

Allele frequency attached by ClinVar (database versions not stated): ExAC 0.00002; gnomAD exomes 0.00002; gnomAD 0.00003; TOPMed 0.00004; 1000 Genomes Project 30x 0.00031; 1000 Genomes Project 0.00040.

Submissions (3):

PreventionGenetics, part of Exact Sciences
Classification: Uncertain significance for REST-related condition. Last evaluated: 2026-08-09. Review status: criteria provided, single submitter. Criteria: ACMG Guidelines, 2015. Collection method: clinical testing. Allele origin: germline.
Comment: The REST c.3239A>G variant is predicted to result in the amino acid substitution p.Asn1080Ser. To our knowledge, this variant has not been reported in the literature. This variant is reported in 0.0056% of alleles in individuals of Latino descent in gnomAD. At this time, the clinical significance of this variant is uncertain due to the absence of conclusive functional and genetic evidence.

Labcorp Genetics (formerly Invitae), Labcorp
Classification: Uncertain significance. Last evaluated: 2024-07-06. Review status: criteria provided, single submitter. Criteria: Invitae Variant Classification Sherloc (09022015). Collection method: clinical testing. Allele origin: germline.
Comment: This sequence change replaces asparagine, which is neutral and polar, with serine, which is neutral and polar, at codon 1080 of the REST protein (p.Asn1080Ser). This variant is present in population databases (rs116290363, gnomAD 0.006%). This variant has not been reported in the literature in individuals affected with REST-related conditions. ClinVar contains an entry for this variant (Variation ID: 2178538). An algorithm developed to predict the effect of missense changes on protein structure and function (PolyPhen-2) suggests that this variant is likely to be tolerated. In summary, the available evidence is currently insufficient to determine the role of this variant in disease. Therefore, it has been classified as a Variant of Uncertain Significance.

Fulgent Genetics
Classification: Uncertain significance for Autosomal dominant nonsyndromic hearing loss 27; Wilms tumor 6; Fibromatosis, gingival, 5. Last evaluated: 2024-03-07. Review status: criteria provided, single submitter. Criteria: ACMG Guidelines, 2015. Collection method: clinical testing. Allele origin: germline.